The following is an entry in ClinVar:

NM_003079.5(SMARCE1):c.413C>T (p.Ala138Val)

Gene: SMARCE1 (SWI/SNF related BAF chromatin remodeling complex subunit E1; minus strand). Cytogenetic location: 17q21.2.
Variant type: single nucleotide variant.
Coding change: c.413C>T on transcript NM_003079.5 (MANE Select); coding-DNA position 413, C replaced by T.
Protein change: p.Ala138Val; replaces alanine 138 with valine.
Molecular consequence: missense variant.
Genome position (GRCh38, 1-based): chr17:40,636,059, G>A on the plus strand (C>T on the coding strand, the complement: SMARCE1 is on the minus strand). VCF-style: chr17-40636059-G-A. GRCh37 (hg19) VCF-style: chr17-38792311-G-A.
Other names: short protein forms A138V.
Identifiers: ClinVar variation 1738141 (VCV001738141.8), dbSNP rs747470831, ClinGen allele CA8545246.

ClinVar aggregate classification (germline): Conflicting classifications of pathogenicity. Review status: criteria provided, conflicting classifications (1 of 4 stars). 2 submissions from 2 submitters: Uncertain significance (1); Likely benign (1). Last evaluated 2025-05-08.

Conditions:
Hereditary cancer-predisposing syndrome. Also called: Neoplastic Syndromes, Hereditary; Tumor predisposition; Hereditary Cancer Syndrome; Hereditary neoplastic syndrome. Identifiers: Orphanet 140162, MedGen C0027672, MeSH D009386, MONDO:0015356.
Familial meningioma. Also called: Meningioma, familial, susceptibility to. Identifiers: Orphanet 263662, MedGen C3551915, MONDO:0011789, OMIM 607174.

Allele frequency attached by ClinVar (database versions not stated): gnomAD exomes below 0.00001; ExAC 0.00001; gnomAD 0.00001; TOPMed 0.00001.
gnomAD v4.1: 7 of 1,612,676 alleles (0.00043%); highest among the groups gnomAD compares: South Asian, 0.0033%; no homozygotes.

Submissions (2):

Ambry Genetics
Classification: Likely benign for Hereditary cancer-predisposing syndrome. Last evaluated: 2025-05-08. Review status: criteria provided, single submitter. Criteria: Ambry Variant Classification Scheme 2023. Collection method: clinical testing. Allele origin: germline.

Labcorp Genetics (formerly Invitae), Labcorp
Classification: Uncertain significance for Familial meningioma. Last evaluated: 2025-04-30. Review status: criteria provided, single submitter. Criteria: Invitae Variant Classification Sherloc (09022015). Collection method: clinical testing. Allele origin: germline.
Comment: This sequence change replaces alanine, which is neutral and non-polar, with valine, which is neutral and non-polar, at codon 138 of the SMARCE1 protein (p.Ala138Val). This variant is present in population databases (rs747470831, gnomAD 0.007%). This variant has not been reported in the literature in individuals affected with SMARCE1-related conditions. ClinVar contains an entry for this variant (Variation ID: 1738141). Invitae Evidence Modeling of protein sequence and biophysical properties (such as structural, functional, and spatial information, amino acid conservation, physicochemical variation, residue mobility, and thermodynamic stability) indicates that this missense variant is not expected to disrupt SMARCE1 protein function with a negative predictive value of 80%. In summary, the available evidence is currently insufficient to determine the role of this variant in disease. Therefore, it has been classified as a Variant of Uncertain Significance.